The following is an entry in ClinVar:

ClinVar aggregate classification (germline): Likely benign. Review status: criteria provided, multiple submitters, no conflicts (2 of 4 stars). 2 submissions from 2 submitters: Likely benign (2). Last evaluated 2022-10-03.

Conditions:
Early-infantile DEE. Also called: Early infantile epileptic encephalopathy with suppression bursts; Ohtahara syndrome; Early infantile epileptic encephalopathy. Identifiers: Orphanet 1934, MedGen C0393706, MONDO:0800491.

Allele frequency attached by ClinVar (database versions not stated): gnomAD exomes below 0.00001; TOPMed 0.00001; gnomAD 0.00003.
gnomAD v4.1: 2 of 1,613,096 alleles (0.00012%); highest among the groups gnomAD compares: Non-Finnish European, 0.00017%; no homozygotes.

Submissions (2):

Labcorp Genetics (formerly Invitae), Labcorp
Classification: Likely benign for Early-infantile DEE. Last evaluated: 2022-10-03. Review status: criteria provided, single submitter. Criteria: Invitae Variant Classification Sherloc (09022015). Collection method: clinical testing. Allele origin: germline.

GeneDx
Classification: Likely benign. Last evaluated: 2017-08-10. Review status: criteria provided, single submitter. Criteria: GeneDx Variant Classification (06012015). Collection method: clinical testing. Allele origin: germline. Affected: yes.
Comment: This variant is considered likely benign or benign based on one or more of the following criteria: it is a conservative change, it occurs at a poorly conserved position in the protein, it is predicted to be benign by multiple in silico algorithms, and/or has population frequency not consistent with disease.

NM_001191061.2(SLC25A22):c.708G>A (p.Gly236=)

Gene: SLC25A22 (solute carrier family 25 member 22; minus strand). Cytogenetic location: 11p15.5.
Variant type: single nucleotide variant.
Coding change: c.708G>A on transcript NM_001191061.2 (MANE Select); coding-DNA position 708, G replaced by A.
Protein change: p.Gly236=; no amino-acid change (glycine 236 retained).
Molecular consequence: synonymous variant.
Genome position (GRCh38, 1-based): chr11:792,338, C>T on the plus strand (G>A on the coding strand, the complement: SLC25A22 is on the minus strand). VCF-style: chr11-792338-C-T. GRCh37 (hg19) VCF-style: chr11-792338-C-T.
Other names: c.708G>A, p.Gly236= (NM_001191060.2, NM_024698.6).
Identifiers: ClinVar variation 511338 (VCV000511338.11), dbSNP rs1246435430, ClinGen allele CA472438660.
Genomic context (GRCh38, chr11:792,338, plus strand): 5'-AGCCGGGCGCCATCCCATGCACTGACCATCACAGGGGTTGACGGCCACAGCGGCGGCACT[C>T]CCAGCCACACAGCCGGCCAGGAAGGACACGTAGAAAGGCGACTTCTCCTCGGACGCCGGG-3'
Protein context (NP_001177990.1, residues 226-246): YVSFLAGCVA[Gly236=]SAAAVAVNPC